The following is an entry in ClinVar:

ClinVar aggregate classification (germline): Uncertain significance. Review status: criteria provided, multiple submitters, no conflicts (2 of 4 stars). 2 submissions from 2 submitters: Uncertain significance (2). Last evaluated 2026-01-14.

Conditions:
Inborn genetic diseases. Identifiers: MedGen C0950123, MeSH D030342.

Allele frequency attached by ClinVar (database versions not stated): gnomAD exomes below 0.00001; gnomAD 0.00002.
gnomAD v4.1: 7 of 1,594,240 alleles (0.00044%); highest among the groups gnomAD compares: African/African-American, 0.008%; no homozygotes.

Submissions (2):

Labcorp Genetics (formerly Invitae), Labcorp
Classification: Uncertain significance. Last evaluated: 2026-01-14. Review status: criteria provided, single submitter. Criteria: Invitae Variant Classification Sherloc (09022015). Collection method: clinical testing. Allele origin: germline.
Comment: This sequence change replaces proline, which is neutral and non-polar, with serine, which is neutral and polar, at codon 30 of the MBD4 protein (p.Pro30Ser). The frequency data for this variant in the population databases is considered unreliable, as metrics indicate poor data quality at this position in the gnomAD database. This variant has not been reported in the literature in individuals affected with MBD4-related conditions. ClinVar contains an entry for this variant (Variation ID: 2798737). An algorithm developed to predict the effect of missense changes on protein structure and function (PolyPhen-2) suggests that this variant is likely to be tolerated. In summary, the available evidence is currently insufficient to determine the role of this variant in disease. Therefore, it has been classified as a Variant of Uncertain Significance.

Ambry Genetics
Classification: Uncertain significance for Inborn genetic diseases. Last evaluated: 2025-03-05. Review status: criteria provided, single submitter. Criteria: Ambry Variant Classification Scheme 2023. Collection method: clinical testing. Allele origin: germline.
Comment: The p.P30S variant (also known as c.88C>T), located in coding exon 1 of the MBD4 gene, results from a C to T substitution at nucleotide position 88. The proline at codon 30 is replaced by serine, an amino acid with similar properties. This amino acid position is conserved. In addition, this alteration is predicted to be tolerated by in silico analysis. Based on the available evidence, the clinical significance of this variant remains unclear.

NM_001276270.2(MBD4):c.88C>T (p.Pro30Ser)

Gene: MBD4 (methyl-CpG binding domain 4, DNA glycosylase; minus strand). Cytogenetic location: 3q21.3.
Variant type: single nucleotide variant.
Coding change: c.88C>T on transcript NM_001276270.2 (MANE Select); coding-DNA position 88, C replaced by T.
Protein change: p.Pro30Ser; replaces proline 30 with serine.
Molecular consequence: missense variant.
Genome position (GRCh38, 1-based): chr3:129,439,746, G>A on the plus strand (C>T on the coding strand, the complement: MBD4 is on the minus strand). VCF-style: chr3-129439746-G-A. GRCh37 (hg19) VCF-style: chr3-129158589-G-A.
Other names: c.88C>T, p.Pro30Ser (NM_001276271.2, NM_001276272.2, NM_001276273.2 and 1 more transcripts); short protein forms P30S.
Identifiers: ClinVar variation 2798737 (VCV002798737.5), dbSNP rs906385254, ClinGen allele CA82639131.